The following is an entry in ClinVar:

ClinVar aggregate classification (germline): Conflicting classifications of pathogenicity. Review status: criteria provided, conflicting classifications (1 of 4 stars). 2 submissions from 2 submitters: Uncertain significance (1); Likely benign (1). Last evaluated 2022-09-07.

Conditions:
Cardiovascular phenotype. Identifiers: MedGen CN230736.
Distal myopathy with posterior leg and anterior hand involvement. Also called: WILLIAMS DISTAL MYOPATHY. Identifiers: Orphanet 63273, MedGen C3279722, MONDO:0013550, OMIM 614065.
Hypertrophic cardiomyopathy 26. Also called: Cardiomyopathy, familial hypertrophic, 26. Identifiers: Orphanet 75249, MedGen C4310749, MONDO:0014883, OMIM 617047.
Myofibrillar myopathy 5. Also called: Filaminopathy (type); FILAMINOPATHY, AUTOSOMAL DOMINANT. Identifiers: Orphanet 171445, MedGen C1836050, MONDO:0012289, OMIM 609524.

Submissions (2):

Labcorp Genetics (formerly Invitae), Labcorp
Classification: Likely benign for Distal myopathy with posterior leg and anterior hand involvement; Myofibrillar myopathy 5; Hypertrophic cardiomyopathy 26. Last evaluated: 2022-09-07. Review status: criteria provided, single submitter. Criteria: Invitae Variant Classification Sherloc (09022015). Collection method: clinical testing. Allele origin: germline.

Ambry Genetics
Classification: Uncertain significance for Cardiovascular phenotype. Last evaluated: 2021-10-04. Review status: criteria provided, single submitter. Criteria: Ambry Variant Classification Scheme 2023. Collection method: clinical testing. Allele origin: germline.
Comment: The c.4289-5C>T intronic variant results from a C to T substitution 5 nucleotides upstream from coding exon 25 in the FLNC gene. This nucleotide position is poorly conserved in available vertebrate species. In silico splice site analysis predicts that this alteration will not have any significant effect on splicing. Since supporting evidence is limited at this time, the clinical significance of this alteration remains unclear.

NM_001458.5(FLNC):c.4289-5C>T

Gene: FLNC (filamin C; plus strand). Cytogenetic location: 7q32.1.
Variant type: single nucleotide variant.
Coding change: c.4289-5C>T on transcript NM_001458.5 (MANE Select); 5 bases into the intron before coding-DNA position 4289, C replaced by T.
Molecular consequence: intron variant.
Genome position (GRCh38, 1-based): chr7:128,847,692, C>T. VCF-style: chr7-128847692-C-T. GRCh37 (hg19) VCF-style: chr7-128487746-C-T.
Other names: c.4289-5C>T (NM_001127487.2).
Identifiers: ClinVar variation 1739400 (VCV001739400.7), dbSNP rs2536645625, ClinGen allele CA2580076653.